The following is an entry in ClinVar:

ClinVar aggregate classification (germline): Uncertain significance. Review status: criteria provided, multiple submitters, no conflicts (2 of 4 stars). 2 submissions from 2 submitters: Uncertain significance (2). Last evaluated 2024-08-11.

Allele frequency attached by ClinVar (database versions not stated): gnomAD exomes below 0.00001; TOPMed below 0.00001.
gnomAD v4.1: 4 of 1,604,368 alleles (0.00025%); highest among the groups gnomAD compares: Non-Finnish European, 0.00034%; no homozygotes.

Submissions (2):

Labcorp Genetics (formerly Invitae), Labcorp
Classification: Uncertain significance. Last evaluated: 2024-08-11. Review status: criteria provided, single submitter. Criteria: Invitae Variant Classification Sherloc (09022015). Collection method: clinical testing. Allele origin: germline.
Comment: This sequence change replaces alanine, which is neutral and non-polar, with threonine, which is neutral and polar, at codon 89 of the KMT2A protein (p.Ala89Thr). The frequency data for this variant in the population databases is considered unreliable, as metrics indicate poor data quality at this position in the gnomAD database. This variant has not been reported in the literature in individuals affected with KMT2A-related conditions. ClinVar contains an entry for this variant (Variation ID: 1700705). Advanced modeling of protein sequence and biophysical properties (such as structural, functional, and spatial information, amino acid conservation, physicochemical variation, residue mobility, and thermodynamic stability) has been performed at Invitae for this missense variant, however the output from this modeling did not meet the statistical confidence thresholds required to predict the impact of this variant on KMT2A protein function. In summary, the available evidence is currently insufficient to determine the role of this variant in disease. Therefore, it has been classified as a Variant of Uncertain Significance.

Centre of Medical Genetics, University Hospital Muenster
Classification: Uncertain significance. Last evaluated: 2022-06-24. Review status: criteria provided, single submitter. Criteria: ACMG Guidelines, 2015. Collection method: clinical testing. Allele origin: unknown. Affected: yes. Observed: 1 variant allele, 1 heterozygote.
Comment: ACMG categories: PM2,BP1

NM_001197104.2(KMT2A):c.265G>A (p.Ala89Thr)

Gene: KMT2A (lysine methyltransferase 2A; plus strand). Cytogenetic location: 11q23.3.
Variant type: single nucleotide variant.
Coding change: c.265G>A on transcript NM_001197104.2 (MANE Select); coding-DNA position 265, G replaced by A.
Protein change: p.Ala89Thr; replaces alanine 89 with threonine.
Molecular consequence: missense variant.
Genome position (GRCh38, 1-based): chr11:118,436,777, G>A. VCF-style: chr11-118436777-G-A. GRCh37 (hg19) VCF-style: chr11-118307492-G-A.
Other names: c.265G>A, p.Ala89Thr (NM_005933.4); short protein forms A89T.
Identifiers: ClinVar variation 1700705 (VCV001700705.4), dbSNP rs1555138701, ClinGen allele CA382797922.